The following is an entry in ClinVar:

NM_001367561.1(DOCK7):c.312T>C (p.Pro104=)

Gene: DOCK7 (dedicator of cytokinesis 7; minus strand). Cytogenetic location: 1p31.3.
Variant type: single nucleotide variant.
Coding change: c.312T>C on transcript NM_001367561.1 (MANE Select); coding-DNA position 312, T replaced by C.
Protein change: p.Pro104=; no amino-acid change (proline 104 retained).
Molecular consequence: synonymous variant.
Genome position (GRCh38, 1-based): chr1:62,653,992, A>G on the plus strand (T>C on the coding strand, the complement: DOCK7 is on the minus strand). VCF-style: chr1-62653992-A-G. GRCh37 (hg19) VCF-style: chr1-63119663-A-G.
Other names: p.Pro104=; c.312T>C, p.Pro104= (NM_001271999.2, NM_001272000.2, NM_001272001.2 and 3 more transcripts).
Identifiers: ClinVar variation 774389 (VCV000774389.10), dbSNP rs1458250646, ClinGen allele CA418156809.
Genomic context (GRCh38, chr1:62,653,992, plus strand): 5'-GTAGCCTTTCTATAGTTCCTCTAAAGCCAAAAATAAGTCAATGTCTCCTTACCTTTCTTC[A>G]GGTACAGCTGAAACAAGAGTTCTGCAGTCCCGAGGACTATAAACAACTTCAATATCATCT-3'
Protein context (NP_001354490.1, residues 94-114): RDCRTLVSAV[Pro104=]EESEMDPHVR

ClinVar aggregate classification (germline): Likely benign. Review status: criteria provided, multiple submitters, no conflicts (2 of 4 stars). 2 submissions from 2 submitters: Likely benign (2). Last evaluated 2025-04-30.

Conditions:
Developmental and epileptic encephalopathy, 23 (DEE23). Also called: Epileptic encephalopathy, early infantile, 23. Identifiers: Orphanet 411986, MedGen C4014492, MONDO:0014371, OMIM 615859.

Allele frequency attached by ClinVar (database versions not stated): gnomAD exomes below 0.00001; gnomAD 0.00001; TOPMed 0.00002.
gnomAD v4.1: 5 of 1,612,440 alleles (0.00031%); highest among the groups gnomAD compares: African/African-American, 0.0013%; no homozygotes.

Submissions (2):

Mayo Clinic Laboratories, Mayo Clinic
Classification: Likely benign. Last evaluated: 2025-04-30. Review status: criteria provided, single submitter. Criteria: ACMG Guidelines, 2015. Collection method: clinical testing. Allele origin: germline. Observed: 1 variant allele.
Comment: BP4, BP7

Labcorp Genetics (formerly Invitae), Labcorp
Classification: Likely benign for Developmental and epileptic encephalopathy, 23. Last evaluated: 2025-03-23. Review status: criteria provided, single submitter. Criteria: Invitae Variant Classification Sherloc (09022015). Collection method: clinical testing. Allele origin: germline.